The following is an entry in ClinVar:

ClinVar aggregate classification (germline): Uncertain significance (1 of 4 stars; one submission).

Allele frequency attached by ClinVar (database versions not stated): gnomAD exomes below 0.00001; gnomAD 0.00001.
gnomAD v4.1: 3 of 1,569,980 alleles (0.00019%); highest among the groups gnomAD compares: Non-Finnish European, 0.00026%; no homozygotes.

Submission:

Labcorp Genetics (formerly Invitae), Labcorp
Classification: Uncertain significance. Last evaluated: 2022-09-01. Review status: criteria provided, single submitter. Criteria: Invitae Variant Classification Sherloc (09022015). Collection method: clinical testing. Allele origin: germline.
Comment: This sequence change replaces aspartic acid, which is acidic and polar, with glycine, which is neutral and non-polar, at codon 1905 of the CPLANE1 protein (p.Asp1905Gly). This variant is not present in population databases (gnomAD no frequency). This variant has not been reported in the literature in individuals affected with CPLANE1-related conditions. ClinVar contains an entry for this variant (Variation ID: 999776). Advanced modeling of protein sequence and biophysical properties (such as structural, functional, and spatial information, amino acid conservation, physicochemical variation, residue mobility, and thermodynamic stability) performed at Invitae indicates that this missense variant is not expected to disrupt CPLANE1 protein function. Algorithms developed to predict the effect of sequence changes on RNA splicing suggest that this variant may create or strengthen a splice site. In summary, the available evidence is currently insufficient to determine the role of this variant in disease. Therefore, it has been classified as a Variant of Uncertain Significance.

NM_001384732.1(CPLANE1):c.5714A>G (p.Asp1905Gly)

Gene: CPLANE1 (ciliogenesis and planar polarity effector complex subunit 1; minus strand). Cytogenetic location: 5p13.2.
Variant type: single nucleotide variant.
Coding change: c.5714A>G on transcript NM_001384732.1 (MANE Select); coding-DNA position 5714, A replaced by G.
Protein change: p.Asp1905Gly; replaces aspartic acid 1905 with glycine.
Molecular consequence: missense variant.
Genome position (GRCh38, 1-based): chr5:37,180,040, T>C on the plus strand (A>G on the coding strand, the complement: CPLANE1 is on the minus strand). VCF-style: chr5-37180040-T-C. GRCh37 (hg19) VCF-style: chr5-37180142-T-C.
Other names: c.5714A>G, p.Asp1905Gly (NM_023073.4); short protein forms D1905G.
Identifiers: ClinVar variation 999776 (VCV000999776.6), dbSNP rs1782230661, ClinGen allele CA359489494.